The following is an entry in ClinVar:

ClinVar aggregate classification (germline): Uncertain significance. Review status: criteria provided, multiple submitters, no conflicts (2 of 4 stars). 2 submissions from 2 submitters: Uncertain significance (2). Last evaluated 2025-07-31.

Conditions:
Colorectal cancer, hereditary nonpolyposis, type 7. Identifiers: Orphanet 144, MedGen C1858380, MONDO:0013725, OMIM 614385.

Allele frequency attached by ClinVar (database versions not stated): TOPMed 0.00006.
gnomAD v4.1: 37 of 1,613,058 alleles (0.0023%); highest among the groups gnomAD compares: African/African-American, 0.0027%; no homozygotes.

Submissions (2):

Ambry Genetics
Classification: Uncertain significance. Last evaluated: 2025-07-31. Review status: criteria provided, single submitter. Criteria: Ambry Variant Classification Scheme 2023. Collection method: clinical testing. Allele origin: germline.
Comment: The p.D385N variant (also known as c.1153G>A), located in coding exon 1 of the MLH3 gene, results from a G to A substitution at nucleotide position 1153. The aspartic acid at codon 385 is replaced by asparagine, an amino acid with highly similar properties. This amino acid position is conserved. In addition, this alteration is predicted to be tolerated by in silico analysis. Since supporting evidence is limited at this time, the clinical significance of this alteration remains unclear.

Labcorp Genetics (formerly Invitae), Labcorp
Classification: Uncertain significance for Colorectal cancer, hereditary nonpolyposis, type 7. Last evaluated: 2024-02-22. Review status: criteria provided, single submitter. Criteria: Invitae Variant Classification Sherloc (09022015). Collection method: clinical testing. Allele origin: germline.
Comment: This sequence change replaces aspartic acid, which is acidic and polar, with asparagine, which is neutral and polar, at codon 385 of the MLH3 protein (p.Asp385Asn). This variant is present in population databases (rs201389281, gnomAD 0.003%). This variant has not been reported in the literature in individuals affected with MLH3-related conditions. ClinVar contains an entry for this variant (Variation ID: 852786). Algorithms developed to predict the effect of missense changes on protein structure and function output the following: SIFT: "Not Available"; PolyPhen-2: "Benign"; Align-GVGD: "Not Available". The asparagine amino acid residue is found in multiple mammalian species, which suggests that this missense change does not adversely affect protein function. In summary, the available evidence is currently insufficient to determine the role of this variant in disease. Therefore, it has been classified as a Variant of Uncertain Significance.

NM_001040108.2(MLH3):c.1153G>A (p.Asp385Asn)

Gene: MLH3 (mutL homolog 3; minus strand). Cytogenetic location: 14q24.3.
Variant type: single nucleotide variant.
Coding change: c.1153G>A on transcript NM_001040108.2 (MANE Select); coding-DNA position 1153, G replaced by A.
Protein change: p.Asp385Asn; replaces aspartic acid 385 with asparagine.
Molecular consequence: missense variant.
Genome position (GRCh38, 1-based): chr14:75,048,503, C>T on the plus strand (G>A on the coding strand, the complement: MLH3 is on the minus strand). VCF-style: chr14-75048503-C-T. GRCh37 (hg19) VCF-style: chr14-75515206-C-T.
Other names: c.1153G>A, p.Asp385Asn (NM_014381.3); short protein forms D385N.
Identifiers: ClinVar variation 852786 (VCV000852786.13), dbSNP rs201389281, ClinGen allele CA7275915.